The following is an entry in ClinVar:

ClinVar aggregate classification (germline): Pathogenic/Likely pathogenic. Review status: criteria provided, multiple submitters, no conflicts (2 of 4 stars). 3 submissions from 3 submitters: Pathogenic (2); Likely pathogenic (1). Last evaluated 2025-04-30.

Conditions:
Hereditary cancer-predisposing syndrome. Also called: Hereditary neoplastic syndrome; Tumor predisposition; Neoplastic Syndromes, Hereditary; Hereditary Cancer Syndrome. Identifiers: Orphanet 140162, MedGen C0027672, MeSH D009386, MONDO:0015356.
Ataxia-telangiectasia syndrome (AT). Also called: Ataxia telangiectasia (A-T); Cerebello-oculocutaneous telangiectasia; Immunodeficiency with ataxia telangiectasia; AT, COMPLEMENTATION GROUP C; ATAXIA-TELANGIECTASIA, COMPLEMENTATION GROUP A; ATAXIA-TELANGIECTASIA, FRESNO VARIANT. Identifiers: Orphanet 100, MedGen C0004135, MONDO:0008840, OMIM 208900.

Submissions (3):

Ambry Genetics
Classification: Pathogenic for Hereditary cancer-predisposing syndrome. Last evaluated: 2025-04-30. Review status: criteria provided, single submitter. Criteria: Ambry Variant Classification Scheme 2023. Collection method: clinical testing. Allele origin: germline.
Comment: The p.Q747* pathogenic mutation (also known as c.2239C>T), located in coding exon 13 of the ATM gene, results from a C to T substitution at nucleotide position 2239. This changes the amino acid from a glutamine to a stop codon within coding exon 13. This variant has been identified in conjunction with other ATM variant(s) in individual(s) who met clinical criteria for ataxia-telangiectasia (A-T) (Carranza D et al. Neuromolecular Med, 2017 Mar;19:161-174). This variant is considered to be rare based on population cohorts in the Genome Aggregation Database (gnomAD). This alteration is expected to result in loss of function by premature protein truncation or nonsense-mediated mRNA decay. As such, this alteration is interpreted as a disease-causing mutation.

Sema4
Classification: Likely pathogenic for Hereditary cancer-predisposing syndrome. Last evaluated: 2021-12-13. Review status: criteria provided, single submitter. Criteria: Sema4 Curation Guidelines. Collection method: curation. Allele origin: germline.
Comment: The ATM c.2239C>T (p.Q747X) variant has been reported as compound heterozygous in at least one individual with ataxia telangiectasia (PMID: 27664052). This nonsense variant creates a premature stop codon at residue 747 of the ATM protein. At this location, this variant is predicted to cause loss of normal protein function either through protein truncation or nonsense-mediated mRNA decay. Loss of function variants in ATM are known to be pathogenic (PMID: 31050087). It was not observed in the Genome Aggregation Database (PMID: 32461654). This variant has been reported in ClinVar (Variation ID: 855230). Based on the current evidence available, this variant is interpreted as likely pathogenic.

Labcorp Genetics (formerly Invitae), Labcorp
Classification: Pathogenic for Ataxia-telangiectasia syndrome. Last evaluated: 2021-08-27. Review status: criteria provided, single submitter. Criteria: Invitae Variant Classification Sherloc (09022015). Collection method: clinical testing. Allele origin: germline.
Comment: For these reasons, this variant has been classified as Pathogenic. ClinVar contains an entry for this variant (Variation ID: 855230). This premature translational stop signal has been observed in individual(s) with ataxia-telangiectasia (PMID: 27664052). This sequence change creates a premature translational stop signal (p.Gln747*) in the ATM gene. It is expected to result in an absent or disrupted protein product. Loss-of-function variants in ATM are known to be pathogenic (PMID: 23807571, 25614872). This variant is not present in population databases (ExAC no frequency).

Literature cited by the submitters: PubMed 27664052 (cited by 3 submitters); PubMed 31050087 (cited by Sema4); PubMed 23807571 (cited by Labcorp Genetics (formerly Invitae), Labcorp); PubMed 25614872 (cited by Labcorp Genetics (formerly Invitae), Labcorp).

NM_000051.4(ATM):c.2239C>T (p.Gln747Ter)

Gene: ATM (ATM serine/threonine kinase; plus strand). Cytogenetic location: 11q22.3.
Variant type: single nucleotide variant.
Coding change: c.2239C>T on transcript NM_000051.4 (MANE Select); coding-DNA position 2239, C replaced by T.
Protein change: p.Gln747Ter; replaces glutamine 747 with a stop codon.
Molecular consequence: nonsense.
Genome position (GRCh38, 1-based): chr11:108,256,329, C>T. VCF-style: chr11-108256329-C-T. GRCh37 (hg19) VCF-style: chr11-108127056-C-T.
Other names: c.2239C>T, p.Gln747Ter (NM_001351834.2); short protein forms Q747*.
Identifiers: ClinVar variation 855230 (VCV000855230.10), dbSNP rs2080483369, ClinGen allele CA382539236.